The following is an entry in ClinVar:

ClinVar aggregate classification (germline): Uncertain significance (1 of 4 stars; one submission).

Submission:

Ambry Genetics
Classification: Uncertain significance. Last evaluated: 2025-06-24. Review status: criteria provided, single submitter. Criteria: Ambry Variant Classification Scheme 2023. Collection method: clinical testing. Allele origin: germline.
Comment: The p.H224R variant (also known as c.671A>G), located in coding exon 1 of the CDK12 gene, results from an A to G substitution at nucleotide position 671. The histidine at codon 224 is replaced by arginine, an amino acid with highly similar properties. This amino acid position is conserved. In addition, this alteration is predicted to be tolerated by in silico analysis. Based on the available evidence, the clinical significance of this variant remains unclear.

NM_016507.4(CDK12):c.671A>G (p.His224Arg)

Genes: CDK12 (cyclin dependent kinase 12; plus strand), LOC126862553 (CDK7 strongly-dependent group 2 enhancer GRCh37_chr17:37618166-37619365; plus strand). Cytogenetic location: 17q12.
Variant type: single nucleotide variant.
Coding change: c.671A>G on transcript NM_016507.4 (MANE Select); coding-DNA position 671, A replaced by G.
Protein change: p.His224Arg; replaces histidine 224 with arginine.
Molecular consequence: missense variant.
Genome position (GRCh38, 1-based): chr17:39,462,742, A>G. VCF-style: chr17-39462742-A-G. GRCh37 (hg19) VCF-style: chr17-37618995-A-G.
Other names: c.671A>G, p.His224Arg (NM_015083.4); short protein forms H224R.
Identifiers: ClinVar variation 4224220 (VCV004224220.1).